The following is an entry in ClinVar:

ClinVar aggregate classification (germline): Conflicting classifications of pathogenicity. Review status: criteria provided, conflicting classifications (1 of 4 stars). 2 submissions from 2 submitters: Uncertain significance (1); Likely benign (1). Last evaluated 2026-06-12.

Conditions:
Hereditary cancer-predisposing syndrome. Also called: Tumor predisposition; Hereditary Cancer Syndrome; Neoplastic Syndromes, Hereditary; Hereditary neoplastic syndrome. Identifiers: Orphanet 140162, MedGen C0027672, MeSH D009386, MONDO:0015356.
Hereditary diffuse gastric adenocarcinoma (HDGC). Also called: DIFFUSE GASTRIC AND LOBULAR BREAST CANCER SYNDROME. Identifiers: Orphanet 26106, MedGen C1708349, MONDO:0007648, OMIM 137215.

Submissions (2):

Ambry Genetics
Classification: Likely benign for Hereditary cancer-predisposing syndrome. Last evaluated: 2026-06-12. Review status: criteria provided, single submitter. Criteria: Ambry Variant Classification Scheme 2023. Collection method: clinical testing. Allele origin: germline.

Labcorp Genetics (formerly Invitae), Labcorp
Classification: Uncertain significance for Hereditary diffuse gastric adenocarcinoma. Last evaluated: 2022-07-04. Review status: criteria provided, single submitter. Criteria: Invitae Variant Classification Sherloc (09022015). Collection method: clinical testing. Allele origin: germline.
Comment: This variant has not been reported in the literature in individuals affected with CDH1-related conditions. ClinVar contains an entry for this variant (Variation ID: 649303). Algorithms developed to predict the effect of missense changes on protein structure and function (SIFT, PolyPhen-2, Align-GVGD) all suggest that this variant is likely to be tolerated. In summary, the available evidence is currently insufficient to determine the role of this variant in disease. Therefore, it has been classified as a Variant of Uncertain Significance. This variant is not present in population databases (gnomAD no frequency). This sequence change replaces glycine, which is neutral and non-polar, with valine, which is neutral and non-polar, at codon 420 of the CDH1 protein (p.Gly420Val).

NM_004360.5(CDH1):c.1259G>T (p.Gly420Val)

Gene: CDH1 (cadherin 1; plus strand). Cytogenetic location: 16q22.1.
Variant type: single nucleotide variant.
Coding change: c.1259G>T on transcript NM_004360.5 (MANE Select); coding-DNA position 1259, G replaced by T.
Protein change: p.Gly420Val; replaces glycine 420 with valine.
Molecular consequence: missense variant. On other transcripts: 5 prime UTR variant (2), intron variant (1).
Genome position (GRCh38, 1-based): chr16:68,813,434, G>T. VCF-style: chr16-68813434-G-T. GRCh37 (hg19) VCF-style: chr16-68847337-G-T.
Other names: c.1259G>T (LRG_301t1); c.-357G>T (NM_001317185.2); c.-561G>T (NM_001317186.2); c.1137+1171G>T (NM_001317184.2); short protein forms G420V.
Identifiers: ClinVar variation 649303 (VCV000649303.11), dbSNP rs878854677, ClinGen allele CA396461619.